The following is an entry in ClinVar:

ClinVar aggregate classification (germline): Uncertain significance (1 of 4 stars; one submission).

Submission:

GeneDx
Classification: Uncertain significance. Last evaluated: 2022-11-30. Review status: criteria provided, single submitter. Criteria: GeneDx Variant Classification Process June 2021. Collection method: clinical testing. Allele origin: germline. Affected: yes.
Comment: Not observed at significant frequency in large population cohorts (gnomAD); In silico analysis supports that this missense variant does not alter protein structure/function; Has not been previously published as pathogenic or benign to our knowledge

NM_016333.4(SRRM2):c.4798T>G (p.Ser1600Ala)

Gene: SRRM2 (serine/arginine repetitive matrix 2; plus strand). Cytogenetic location: 16p13.3.
Variant type: single nucleotide variant.
Coding change: c.4798T>G on transcript NM_016333.4 (MANE Select); coding-DNA position 4798, T replaced by G.
Protein change: p.Ser1600Ala; replaces serine 1600 with alanine.
Molecular consequence: missense variant.
Genome position (GRCh38, 1-based): chr16:2,765,326, T>G. VCF-style: chr16-2765326-T-G. GRCh37 (hg19) VCF-style: chr16-2815327-T-G.
Other names: short protein forms S1600A.
Identifiers: ClinVar variation 2504356 (VCV002504356.1), dbSNP rs758315709, ClinGen allele CA276881005.